The following is an entry in ClinVar:

NM_001034853.2(RPGR):c.2720A>G (p.Glu907Gly)

Gene: RPGR (retinitis pigmentosa GTPase regulator; minus strand). Cytogenetic location: Xp11.4.
Variant type: single nucleotide variant.
Coding change: c.2720A>G on transcript NM_001034853.2 (MANE Select); coding-DNA position 2720, A replaced by G.
Protein change: p.Glu907Gly; replaces glutamic acid 907 with glycine.
Molecular consequence: missense variant. On other transcripts: intron variant (8).
Genome position (GRCh38, 1-based): chrX:38,286,279, T>C on the plus strand (A>G on the coding strand, the complement: RPGR is on the minus strand). VCF-style: chrX-38286279-T-C. GRCh37 (hg19) VCF-style: chrX-38145532-T-C.
Other names: c.1569+4680A>G (NM_001367249.1, NM_001367250.1); c.1902+815A>G (NM_001367245.1); c.1386+4680A>G (NM_001367251.1); c.1719+815A>G (NM_001367246.1); c.1572+4680A>G (NM_001367247.1); c.1905+815A>G (NM_000328.3); c.1602+4680A>G (NM_001367248.1); short protein forms E907G.
Identifiers: ClinVar variation 2154038 (VCV002154038.4), dbSNP rs2519787623, ClinGen allele CA412729942.

ClinVar aggregate classification (germline): Uncertain significance (1 of 4 stars; one submission).

Conditions:
Primary ciliary dyskinesia. Also called: Ciliary dyskinesia. Identifiers: Orphanet 244, MedGen C0008780, MONDO:0016575, HP:0012265.

Submission:

Labcorp Genetics (formerly Invitae), Labcorp
Classification: Uncertain significance for Primary ciliary dyskinesia. Last evaluated: 2022-06-01. Review status: criteria provided, single submitter. Criteria: Invitae Variant Classification Sherloc (09022015). Collection method: clinical testing. Allele origin: germline.
Comment: This sequence change replaces glutamic acid, which is acidic and polar, with glycine, which is neutral and non-polar, at codon 907 of the RPGR (ORF15) protein (p.Glu907Gly). This variant is not present in population databases (gnomAD no frequency). This variant has not been reported in the literature in individuals affected with RPGR (ORF15)-related conditions. Algorithms developed to predict the effect of missense changes on protein structure and function output the following: SIFT: "Not Available"; PolyPhen-2: "Not Available"; Align-GVGD: "Not Available". The glycine amino acid residue is found in multiple mammalian species, which suggests that this missense change does not adversely affect protein function. In summary, the available evidence is currently insufficient to determine the role of this variant in disease. Therefore, it has been classified as a Variant of Uncertain Significance.